The following is an entry in ClinVar:

ClinVar aggregate classification (germline): Uncertain significance (1 of 4 stars; one submission).

Allele frequency attached by ClinVar (database versions not stated): gnomAD exomes below 0.00001.
gnomAD v4.1: 3 of 1,613,896 alleles (0.00019%); highest among the groups gnomAD compares: Non-Finnish European, 0.00025%; no homozygotes.

Submission:

Ambry Genetics
Classification: Uncertain significance. Last evaluated: 2023-08-06. Review status: criteria provided, single submitter. Criteria: Ambry Variant Classification Scheme 2023. Collection method: clinical testing. Allele origin: germline.
Comment: The p.A378G variant (also known as c.1133C>G), located in coding exon 7 of the IDH1 gene, results from a C to G substitution at nucleotide position 1133. The alanine at codon 378 is replaced by glycine, an amino acid with similar properties. This amino acid position is conserved. In addition, this alteration is predicted to be tolerated by in silico analysis. Since supporting evidence is limited at this time, the clinical significance of this alteration remains unclear.

NM_005896.4(IDH1):c.1133C>G (p.Ala378Gly)

Gene: IDH1 (isocitrate dehydrogenase (NADP(+)) 1; minus strand). Cytogenetic location: 2q34.
Variant type: single nucleotide variant.
Coding change: c.1133C>G on transcript NM_005896.4 (MANE Select); coding-DNA position 1133, C replaced by G.
Protein change: p.Ala378Gly; replaces alanine 378 with glycine.
Molecular consequence: missense variant.
Genome position (GRCh38, 1-based): chr2:208,239,092, G>C on the plus strand (C>G on the coding strand, the complement: IDH1 is on the minus strand). VCF-style: chr2-208239092-G-C. GRCh37 (hg19) VCF-style: chr2-209103816-G-C.
Other names: c.1133C>G, p.Ala378Gly (NM_001282386.1, NM_001282387.1); short protein forms A378G.
Identifiers: ClinVar variation 1729009 (VCV001729009.3), dbSNP rs766246232, ClinGen allele CA350094081.